The following is an entry in ClinVar:

ClinVar aggregate classification (germline): Uncertain significance (1 of 4 stars; one submission).

Submission:

Labcorp Genetics (formerly Invitae), Labcorp
Classification: Uncertain significance. Last evaluated: 2021-08-16. Review status: criteria provided, single submitter. Criteria: Invitae Variant Classification Sherloc (09022015). Collection method: clinical testing. Allele origin: germline.
Comment: This sequence change replaces aspartic acid with asparagine at codon 118 of the BEST1 protein (p.Asp118Asn). The aspartic acid residue is moderately conserved and there is a small physicochemical difference between aspartic acid and asparagine. This variant is not present in population databases (ExAC no frequency). This variant has not been reported in the literature in individuals affected with BEST1-related conditions. Advanced modeling of protein sequence and biophysical properties (such as structural, functional, and spatial information, amino acid conservation, physicochemical variation, residue mobility, and thermodynamic stability) performed at Invitae indicates that this missense variant is expected to disrupt BEST1 protein function. In summary, the available evidence is currently insufficient to determine the role of this variant in disease. Therefore, it has been classified as a Variant of Uncertain Significance.

NM_004183.4(BEST1):c.352G>A (p.Asp118Asn)

Gene: BEST1 (bestrophin 1; plus strand). Cytogenetic location: 11q12.3.
Variant type: single nucleotide variant.
Coding change: c.352G>A on transcript NM_004183.4 (MANE Select); coding-DNA position 352, G replaced by A.
Protein change: p.Asp118Asn; replaces aspartic acid 118 with asparagine.
Molecular consequence: missense variant. On other transcripts: non-coding transcript variant (1).
Genome position (GRCh38, 1-based): chr11:61,955,822, G>A. VCF-style: chr11-61955822-G-A. GRCh37 (hg19) VCF-style: chr11-61723294-G-A.
Other names: c.172G>A, p.Asp58Asn (NM_001139443.3, NM_001300786.2, NM_001300787.2); c.34G>A, p.Asp12Asn (NM_001363591.3); c.352G>A, p.Asp118Asn (NM_001363592.2); c.-824G>A (NM_001363593.3); short protein forms D118N, D12N, D58N.
Identifiers: ClinVar variation 1375458 (VCV001375458.6), dbSNP rs1400987360, ClinGen allele CA380834616.